The following is an entry in ClinVar:

ClinVar aggregate classification (germline): Uncertain significance (1 of 4 stars; one submission).

Conditions:
Autosomal recessive limb-girdle muscular dystrophy type R18 (LGMDR18). Also called: Limb-girdle muscular dystrophy, type 2S; MUSCULAR DYSTROPHY, LIMB-GIRDLE, AUTOSOMAL RECESSIVE 18; Autosomal recessive limb-girdle muscular dystrophy type 2S. Identifiers: Orphanet 369840, MedGen C4517996, MONDO:0014144, OMIM 615356.

Allele frequency attached by ClinVar (database versions not stated): ExAC 0.00001; gnomAD exomes 0.00001 and 0.00002; TOPMed 0.00004; gnomAD 0.00006.
gnomAD v4.1: 31 of 1,613,278 alleles (0.0019%); highest among the groups gnomAD compares: Non-Finnish European, 0.0022%; no homozygotes.

Submission:

Labcorp Genetics (formerly Invitae), Labcorp
Classification: Uncertain significance for Autosomal recessive limb-girdle muscular dystrophy type R18. Last evaluated: 2022-09-06. Review status: criteria provided, single submitter. Criteria: Invitae Variant Classification Sherloc (09022015). Collection method: clinical testing. Allele origin: germline.
Comment: This sequence change replaces asparagine, which is neutral and polar, with serine, which is neutral and polar, at codon 378 of the TRAPPC11 protein (p.Asn378Ser). This variant is present in population databases (rs780991425, gnomAD 0.003%). This variant has not been reported in the literature in individuals affected with TRAPPC11-related conditions. ClinVar contains an entry for this variant (Variation ID: 474341). Algorithms developed to predict the effect of missense changes on protein structure and function output the following: SIFT: "Tolerated"; PolyPhen-2: "Benign"; Align-GVGD: "Class C0". The serine amino acid residue is found in multiple mammalian species, which suggests that this missense change does not adversely affect protein function. Algorithms developed to predict the effect of sequence changes on RNA splicing suggest that this variant may create or strengthen a splice site. In summary, the available evidence is currently insufficient to determine the role of this variant in disease. Therefore, it has been classified as a Variant of Uncertain Significance.

NM_021942.6(TRAPPC11):c.1133A>G (p.Asn378Ser)

Gene: TRAPPC11 (trafficking protein particle complex subunit 11; plus strand). Cytogenetic location: 4q35.1.
Variant type: single nucleotide variant.
Coding change: c.1133A>G on transcript NM_021942.6 (MANE Select); coding-DNA position 1133, A replaced by G.
Protein change: p.Asn378Ser; replaces asparagine 378 with serine.
Molecular consequence: missense variant.
Genome position (GRCh38, 1-based): chr4:183,682,751, A>G. VCF-style: chr4-183682751-A-G. GRCh37 (hg19) VCF-style: chr4-184603904-A-G.
Other names: c.1133A>G, p.Asn378Ser (NM_199053.3); short protein forms N378S.
Identifiers: ClinVar variation 474341 (VCV000474341.11), dbSNP rs780991425, ClinGen allele CA3151807.